The following is an entry in ClinVar:

NM_000292.3(PHKA2):c.1183A>G (p.Met395Val)

Gene: PHKA2 (phosphorylase kinase regulatory subunit alpha 2; minus strand). Cytogenetic location: Xp22.13.
Variant type: single nucleotide variant.
Coding change: c.1183A>G on transcript NM_000292.3 (MANE Select); coding-DNA position 1183, A replaced by G.
Protein change: p.Met395Val; replaces methionine 395 with valine.
Molecular consequence: missense variant.
Genome position (GRCh38, 1-based): chrX:18,931,703, T>C on the plus strand (A>G on the coding strand, the complement: PHKA2 is on the minus strand). VCF-style: chrX-18931703-T-C. GRCh37 (hg19) VCF-style: chrX-18949821-T-C.
Other names: c.1183A>G, p.Met395Val (NM_001440800.1, NM_001440801.1, NM_001440805.1); c.1084A>G, p.Met362Val (NM_001440802.1, NM_001440803.1, NM_001440804.1); short protein forms M362V, M395V.
Identifiers: ClinVar variation 4084513 (VCV004084513.8).

ClinVar aggregate classification (germline): Uncertain significance (1 of 4 stars; one submission).

gnomAD v4.1: 2 of 1,204,317 alleles (0.00017%); highest among the groups gnomAD compares: Admixed American, 0.0022%; no homozygotes.

Submission:

CeGaT Center for Human Genetics Tuebingen
Classification: Uncertain significance. Last evaluated: 2025-06-01. Review status: criteria provided, single submitter. Criteria: CeGaT Center For Human Genetics Tuebingen Variant Classification Criteria Version 2. Collection method: clinical testing. Allele origin: germline. Affected: yes. Observed: 2 variant alleles.
Comment: PHKA2: PM2, BP4